The following is an entry in ClinVar:

ClinVar aggregate classification (germline): Uncertain significance (1 of 4 stars; one submission).

Conditions:
Glycogen storage disease, type II (IOPD). Also called: Pompe Disease; CARDIOMEGALIA GLYCOGENICA DIFFUSA; GLYCOGENOSIS, GENERALIZED, CARDIAC FORM; GSD II; Glycogen storage disease type 2; Acid maltase deficiency disease. Identifiers: Orphanet 365, MedGen C0017921, MONDO:0009290, OMIM 232300.

Submission:

Myriad Genetics, Inc.
Classification: Uncertain significance for Glycogen storage disease, type II. Last evaluated: 2026-01-13. Review status: criteria provided, single submitter. Criteria: Myriad Autosomal Dominant, Autosomal Recessive and X-Linked Classification Criteria (2023). Collection method: clinical testing. Allele origin: unknown.
Comment: NM_000152.3(GAA):c.52_54delCTC(L18del) is an in-frame deletion classified as a variant of uncertain significance in the context of Pompe disease. L18del has not been observed in cases with relevant disease. Relevant functional assessments of this variant are not available in the literature. L18del has not been observed in referenced population frequency databases. In summary, there is insufficient evidence to classify NM_000152.3(GAA):c.52_54delCTC(L18del) as pathogenic or benign. Please note: this variant was assessed in the context of healthy population screening.

NM_000152.5(GAA):c.52_54del (p.Leu18del)

Gene: GAA (alpha glucosidase; plus strand). Cytogenetic location: 17q25.3.
Variant type: Deletion.
Coding change: c.52_54del on transcript NM_000152.5 (MANE Select); coding-DNA positions 52 to 54, 3 bases deleted (CTC; older notation c.52_54delCTC).
Protein change: p.Leu18del; deletes leucine 18.
Molecular consequence: inframe deletion.
Genome position (GRCh38, 1-based): chr17:80,104,638-80,104,640, CTC deleted; deleting any 3 consecutive bases within chr17:80,104,637-80,104,640 gives the same sequence; the c. name uses the placement nearest the transcript's 3' end. VCF-style (leftmost placement, unchanged base first): chr17-80104636-CCCT-C. GRCh37 (hg19) VCF-style: chr17-78078435-CCCT-C.
Other names: c.52_54del, p.Leu18del (NM_001079803.3, NM_001079804.3, NM_001406741.1 and 1 more transcripts); short protein forms L18del.
Identifiers: ClinVar variation 5004389 (VCV005004389.1).